The following is an entry in ClinVar:

NM_024741.3(ZNF408):c.1115C>G (p.Ala372Gly)

Gene: ZNF408 (zinc finger protein 408; plus strand). Cytogenetic location: 11p11.2.
Variant type: single nucleotide variant.
Coding change: c.1115C>G on transcript NM_024741.3 (MANE Select); coding-DNA position 1115, C replaced by G.
Protein change: p.Ala372Gly; replaces alanine 372 with glycine.
Molecular consequence: missense variant.
Genome position (GRCh38, 1-based): chr11:46,704,815, C>G. VCF-style: chr11-46704815-C-G. GRCh37 (hg19) VCF-style: chr11-46726365-C-G.
Other names: c.1091C>G, p.Ala364Gly (NM_001184751.2); short protein forms A372G, A364G.
Identifiers: ClinVar variation 1348815 (VCV001348815.8), dbSNP rs2134510004, ClinGen allele CA380254883.
Genomic context (GRCh38, chr11:46,704,815, plus strand): 5'-GGTACCGGTGTGGAGAGTGTGGCAAGGCATTCCTACAGCTGTGCCACCTAAAGAAGCACG[C>G]ATTTGTGCACACGGGCCACAAGCCCTTTCTTTGCACTGAGTGTGGCAAGAGCTATAGCTC-3'
Protein context (NP_079017.1, residues 362-382): FLQLCHLKKH[Ala372Gly]FVHTGHKPFL

ClinVar aggregate classification (germline): Uncertain significance (1 of 4 stars; one submission).

Submission:

Labcorp Genetics (formerly Invitae), Labcorp
Classification: Uncertain significance. Last evaluated: 2020-11-17. Review status: criteria provided, single submitter. Criteria: Invitae Variant Classification Sherloc (09022015). Collection method: clinical testing. Allele origin: germline.
Comment: In summary, the available evidence is currently insufficient to determine the role of this variant in disease. Therefore, it has been classified as a Variant of Uncertain Significance. This sequence change replaces alanine with glycine at codon 372 of the ZNF408 protein (p.Ala372Gly). The alanine residue is highly conserved and there is a small physicochemical difference between alanine and glycine. This variant is not present in population databases (ExAC no frequency). This variant has not been reported in the literature in individuals with ZNF408-related conditions. Algorithms developed to predict the effect of missense changes on protein structure and function are either unavailable or do not agree on the potential impact of this missense change (SIFT: "Deleterious"; PolyPhen-2: "Benign"; Align-GVGD: "Class C0").